The following is an entry in ClinVar:

ClinVar aggregate classification (germline): Uncertain significance. Review status: reviewed by expert panel (3 of 4 stars). 3 submissions from 3 submitters: Uncertain significance (1). 2 of the submissions do not count toward it. Last evaluated 2020-06-19.

Conditions:
Phenylketonuria (PKU). Also called: OLIGOPHRENIA PHENYLPYRUVICA; Phenylketonurias; Phenylketonuria (PKU); FOLLING DISEASE. Identifiers: Orphanet 716, MedGen C0031485, MONDO:0009861, OMIM 261600. Disease mechanism: loss of function.

Allele frequency attached by ClinVar (database versions not stated): TOPMed below 0.00001; gnomAD 0.00001.
gnomAD v4.1: 1 of 1,613,718 alleles (0.000062%); highest among the groups gnomAD compares: Non-Finnish European, 0.000085%; no homozygotes.

Submissions (3):

ClinGen PAH Variant Curation Expert Panel
Classification: Uncertain significance for Phenylketonuria. Last evaluated: 2020-06-19. Review status: reviewed by expert panel. Criteria: ClinGen PAH ACMG Specifications v1. Collection method: curation. Allele origin: germline. Inheritance: Autosomal recessive inheritance.
Comment: This variant is absent in population databases. A deleterious effect is predicted in SIFT, Polyphen-2, and MutationTaster. In summary, this variant meets criteria to be classified as uncertain significance for PAH. PAH-specific ACMG/AMP criteria applied: PP4, PM2, PP3.

Natera, Inc.
Classification: Likely pathogenic for Phenylketonuria. Last evaluated: 2024-04-02. Review status: criteria provided, single submitter. Criteria: Natera Variant Classification Schema (03/2026). Collection method: clinical testing. Allele origin: germline. Not counted in ClinVar's aggregate classification.
Comment: The c.1124A>G variant in PAH is a missense variant predicted to cause substitution of glutamine to arginine at amino acid 375. This variant is rare in the general population with a frequency below the threshold expected for the associated phenotype(s). This variant has been observed in one or more individuals affected with the associated recessive disease, as either homozygous or compound heterozygous with a second variant (PMID: 31130284). A different variant at the same position has been determined to be Pathogenic or Likely Pathogenic. Computational prediction algorithms indicate this variant is likely to affect gene or protein function. Given the available evidence, this variant is classified as Likely Pathogenic.

Labcorp Genetics (formerly Invitae), Labcorp
Classification: Likely pathogenic for Phenylketonuria. Last evaluated: 2022-02-11. Review status: criteria provided, single submitter. Criteria: Invitae Variant Classification Sherloc (09022015). Collection method: clinical testing. Allele origin: germline. Not counted in ClinVar's aggregate classification.
Comment: This sequence change replaces glutamine, which is neutral and polar, with arginine, which is basic and polar, at codon 375 of the PAH protein (p.Gln375Arg). This variant is not present in population databases (gnomAD no frequency). This missense change has been observed in individual(s) with clinical features of hyperphenylalaninemia (PMID: 24301756, 31130284). ClinVar contains an entry for this variant (Variation ID: 932257). Advanced modeling of protein sequence and biophysical properties (such as structural, functional, and spatial information, amino acid conservation, physicochemical variation, residue mobility, and thermodynamic stability) performed at Invitae indicates that this missense variant is expected to disrupt PAH protein function. This variant disrupts the p.Gln375 amino acid residue in PAH. Other variant(s) that disrupt this residue have been determined to be pathogenic (PMID: 28982351, 29499199). This suggests that this residue is clinically significant, and that variants that disrupt this residue are likely to be disease-causing. In summary, the currently available evidence indicates that the variant is pathogenic, but additional data are needed to prove that conclusively. Therefore, this variant has been classified as Likely Pathogenic.

Literature cited by the submitters: PubMed 24301756 (cited by ClinGen PAH Variant Curation Expert Panel and Labcorp Genetics (formerly Invitae), Labcorp); PubMed 31130284 (cited by Natera, Inc. and Labcorp Genetics (formerly Invitae), Labcorp); PubMed 28982351 (cited by Labcorp Genetics (formerly Invitae), Labcorp); PubMed 29499199 (cited by Labcorp Genetics (formerly Invitae), Labcorp).

NM_000277.3(PAH):c.1124A>G (p.Gln375Arg)

Gene: PAH (phenylalanine hydroxylase; minus strand). Cytogenetic location: 12q23.2.
Variant type: single nucleotide variant.
Coding change: c.1124A>G on transcript NM_000277.3 (MANE Select); coding-DNA position 1124, A replaced by G.
Protein change: p.Gln375Arg; replaces glutamine 375 with arginine.
Molecular consequence: missense variant.
Genome position (GRCh38, 1-based): chr12:102,843,721, T>C on the plus strand (A>G on the coding strand, the complement: PAH is on the minus strand). VCF-style: chr12-102843721-T-C. GRCh37 (hg19) VCF-style: chr12-103237499-T-C.
Other names: c.1124A>G, p.Gln375Arg (NM_001354304.2); c.1124A>G (NM_000277.2); short protein forms Q375R.
Identifiers: ClinVar variation 932257 (VCV000932257.7), dbSNP rs1874694173, ClinGen allele CA16020945.